The following is an entry in ClinVar:

ClinVar aggregate classification (germline): Uncertain significance (1 of 4 stars; one submission).

Allele frequency attached by ClinVar (database versions not stated): gnomAD exomes below 0.00001; TOPMed below 0.00001; gnomAD 0.00001.
gnomAD v4.1: 3 of 1,550,838 alleles (0.00019%); highest among the groups gnomAD compares: Non-Finnish European, 0.00026%; no homozygotes.

Submission:

Labcorp Genetics (formerly Invitae), Labcorp
Classification: Uncertain significance. Last evaluated: 2022-06-17. Review status: criteria provided, single submitter. Criteria: Invitae Variant Classification Sherloc (09022015). Collection method: clinical testing. Allele origin: germline.
Comment: Algorithms developed to predict the effect of missense changes on protein structure and function are either unavailable or do not agree on the potential impact of this missense change (SIFT: "Not Available"; PolyPhen-2: "Probably Damaging"; Align-GVGD: "Not Available"). In summary, the available evidence is currently insufficient to determine the role of this variant in disease. Therefore, it has been classified as a Variant of Uncertain Significance. This variant has not been reported in the literature in individuals affected with UNC80-related conditions. This variant is not present in population databases (gnomAD no frequency). This sequence change replaces glutamic acid, which is acidic and polar, with glycine, which is neutral and non-polar, at codon 1195 of the UNC80 protein (p.Glu1195Gly).

NM_001371986.1(UNC80):c.3578A>G (p.Glu1193Gly)

Gene: UNC80 (unc-80 homolog, NALCN channel complex subunit; plus strand). Cytogenetic location: 2q34.
Variant type: single nucleotide variant.
Coding change: c.3578A>G on transcript NM_001371986.1 (MANE Select); coding-DNA position 3578, A replaced by G.
Protein change: p.Glu1193Gly; replaces glutamic acid 1193 with glycine.
Molecular consequence: missense variant.
Genome position (GRCh38, 1-based): chr2:209,849,574, A>G. VCF-style: chr2-209849574-A-G. GRCh37 (hg19) VCF-style: chr2-210714298-A-G.
Other names: c.3584A>G, p.Glu1195Gly (NM_032504.2); c.3569A>G, p.Glu1190Gly (NM_182587.4); short protein forms E1195G, E1193G, E1190G.
Identifiers: ClinVar variation 2092456 (VCV002092456.3), dbSNP rs2082379049, ClinGen allele CA350735526.